The following is an entry in ClinVar:

NM_004484.4(GPC3):c.1301A>G (p.Gln434Arg)

Gene: GPC3 (glypican 3; minus strand). Cytogenetic location: Xq26.2.
Variant type: single nucleotide variant.
Coding change: c.1301A>G on transcript NM_004484.4 (MANE Select); coding-DNA position 1301, A replaced by G.
Protein change: p.Gln434Arg; replaces glutamine 434 with arginine.
Molecular consequence: missense variant.
Genome position (GRCh38, 1-based): chrX:133,661,842, T>C on the plus strand (A>G on the coding strand, the complement: GPC3 is on the minus strand). VCF-style: chrX-133661842-T-C. GRCh37 (hg19) VCF-style: chrX-132795870-T-C.
Other names: c.1370A>G, p.Gln457Arg (NM_001164617.2); c.1253A>G, p.Gln418Arg (NM_001164618.2); c.1139A>G, p.Gln380Arg (NM_001164619.2); short protein forms Q434R, Q380R, Q418R, Q457R.
Identifiers: ClinVar variation 2742808 (VCV002742808.3), dbSNP rs2521016604, ClinGen allele CA414704851.
Genomic context (GRCh38, chrX:133,661,842, plus strand): 5'-CCCTTCATTTTCAGCTCATGGAGATTGAACTGGTTTTTCATTCCATTCCTTGCTGCCTTT[T>C]GGCTGTATCTGTAAAGGTGAAGGTAAAGAAAAGGTTTGTCAAAGAAAGTCCCAAACAAAG-3'
Protein context (NP_004475.1, residues 424-444): NGQELVERYS[Gln434Arg]KAARNGMKNQ

ClinVar aggregate classification (germline): Uncertain significance (1 of 4 stars; one submission).

Conditions:
Wilms tumor 1 (WT1). Also called: Wilms tumor, somatic. Identifiers: Orphanet 654, MedGen CN033288, MONDO:0008679, OMIM 194070.

Submission:

Labcorp Genetics (formerly Invitae), Labcorp
Classification: Uncertain significance for Wilms tumor 1. Last evaluated: 2023-07-12. Review status: criteria provided, single submitter. Criteria: Invitae Variant Classification Sherloc (09022015). Collection method: clinical testing. Allele origin: germline.
Comment: This variant is not present in population databases (gnomAD no frequency). This sequence change replaces glutamine, which is neutral and polar, with arginine, which is basic and polar, at codon 434 of the GPC3 protein (p.Gln434Arg). This variant has not been reported in the literature in individuals affected with GPC3-related conditions. Advanced modeling of protein sequence and biophysical properties (such as structural, functional, and spatial information, amino acid conservation, physicochemical variation, residue mobility, and thermodynamic stability) performed at Invitae indicates that this missense variant is not expected to disrupt GPC3 protein function. In summary, the available evidence is currently insufficient to determine the role of this variant in disease. Therefore, it has been classified as a Variant of Uncertain Significance.